The following is an entry in ClinVar:

ClinVar aggregate classification (germline): Uncertain significance (1 of 4 stars; one submission).

Submission:

GeneDx
Classification: Uncertain significance. Last evaluated: 2017-07-27. Review status: criteria provided, single submitter. Criteria: GeneDx Variant Classification (06012015). Collection method: clinical testing. Allele origin: germline. Affected: yes.
Comment: The c.1645+6 T>A variant has not been published as a pathogenic variant, nor has it been reported as a benign variant to our knowledge. The variant is not observed in large population cohorts (Lek et al., 2016; 1000 Genomes Consortium et al., 2015; Exome Variant Server). Several in-silico splice prediction models predict that c.1645+6 T>A damages the natural donor site for intron 15 and leads to abnormal gene splicing. However, in the absence of RNA/functional studies, the actual effect of this sequence change in this individual is unknown. Therefore, based on the currently available information, it is unclear whether this variant is a pathogenic variant or a rare benign variant.

NM_000444.6(PHEX):c.1645+6T>A

Gene: PHEX (phosphate regulating endopeptidase homolog X-linked; plus strand). Cytogenetic location: Xp22.11.
Variant type: single nucleotide variant.
Coding change: c.1645+6T>A on transcript NM_000444.6 (MANE Select); 6 bases into the intron after coding-DNA position 1645, T replaced by A.
Molecular consequence: intron variant.
Genome position (GRCh38, 1-based): chrX:22,190,508, T>A. VCF-style: chrX-22190508-T-A. GRCh37 (hg19) VCF-style: chrX-22208625-T-A.
Other names: c.1645+6T>A (NM_001282754.2).
Identifiers: ClinVar variation 451062 (VCV000451062.2), dbSNP rs1556092037, ClinGen allele CA658658939.